The following is an entry in ClinVar:

ClinVar aggregate classification (germline): Likely benign (0 of 4 stars; one submission).

Conditions:
ITGA3-related disorder. Also called: ITGA3-related condition.

Allele frequency attached by ClinVar (database versions not stated): gnomAD exomes 0.00001; gnomAD 0.00002; ExAC 0.00003; TOPMed 0.00003.

Submission:

PreventionGenetics, part of Exact Sciences
Classification: Likely benign for ITGA3-related condition. Last evaluated: 2021-08-03. Review status: no assertion criteria provided. Collection method: clinical testing. Allele origin: germline.
Comment: This variant is classified as likely benign based on ACMG/AMP sequence variant interpretation guidelines (Richards et al. 2015 PMID: 25741868, with internal and published modifications).

NM_002204.4(ITGA3):c.2223G>A (p.Ser741=)

Gene: ITGA3 (integrin subunit alpha 3; plus strand). Cytogenetic location: 17q21.33.
Variant type: single nucleotide variant.
Coding change: c.2223G>A on transcript NM_002204.4 (MANE Select); coding-DNA position 2223, G replaced by A.
Protein change: p.Ser741=; no amino-acid change (serine 741 retained).
Molecular consequence: synonymous variant.
Genome position (GRCh38, 1-based): chr17:50,078,210, G>A. VCF-style: chr17-50078210-G-A. GRCh37 (hg19) VCF-style: chr17-48155574-G-A.
Identifiers: ClinVar variation 3032641 (VCV003032641.2), dbSNP rs759678196, ClinGen allele CA8641869.